The following is an entry in ClinVar:

NM_001288705.3(CSF1R):c.919C>G (p.Gln307Glu)

Gene: CSF1R (colony stimulating factor 1 receptor; minus strand). Cytogenetic location: 5q32.
Variant type: single nucleotide variant.
Coding change: c.919C>G on transcript NM_001288705.3 (MANE Select); coding-DNA position 919, C replaced by G.
Protein change: p.Gln307Glu; replaces glutamine 307 with glutamic acid.
Molecular consequence: missense variant. On other transcripts: non-coding transcript variant (2).
Genome position (GRCh38, 1-based): chr5:150,073,464, G>C on the plus strand (C>G on the coding strand, the complement: CSF1R is on the minus strand). VCF-style: chr5-150073464-G-C. GRCh37 (hg19) VCF-style: chr5-149453027-G-C.
Other names: c.919C>G, p.Gln307Glu (NM_001349736.2, NM_001375320.1, NM_005211.4); c.475C>G, p.Gln159Glu (NM_001375321.1); short protein forms Q159E, Q307E.
Identifiers: ClinVar variation 1715931 (VCV001715931.6), dbSNP rs1017429420, ClinGen allele CA129070631.

ClinVar aggregate classification (germline): Uncertain significance (1 of 4 stars; one submission).

Submission:

Labcorp Genetics (formerly Invitae), Labcorp
Classification: Uncertain significance. Last evaluated: 2022-11-01. Review status: criteria provided, single submitter. Criteria: Invitae Variant Classification Sherloc (09022015). Collection method: clinical testing. Allele origin: germline.
Comment: This sequence change replaces glutamine, which is neutral and polar, with glutamic acid, which is acidic and polar, at codon 307 of the CSF1R protein (p.Gln307Glu). In summary, the available evidence is currently insufficient to determine the role of this variant in disease. Therefore, it has been classified as a Variant of Uncertain Significance. Advanced modeling of protein sequence and biophysical properties (such as structural, functional, and spatial information, amino acid conservation, physicochemical variation, residue mobility, and thermodynamic stability) performed at Invitae indicates that this missense variant is not expected to disrupt CSF1R protein function. This variant has not been reported in the literature in individuals affected with CSF1R-related conditions. This variant is not present in population databases (gnomAD no frequency).